The following is an entry in ClinVar:

ClinVar aggregate classification (germline): Pathogenic (1 of 4 stars; one submission).

Conditions:
Multiple congenital exostosis (EXT). Also called: MULTIPLE CARTILAGINOUS EXOSTOSES; Hereditary multiple exostoses; Hereditary multiple exostosis; Multiple osteochondromas; Hereditary multiple osteochondromas; Multiple exostoses. Identifiers: Orphanet 321, MedGen C0015306, MONDO:0005508, HP:0002762.

Submission:

Labcorp Genetics (formerly Invitae), Labcorp
Classification: Pathogenic for Multiple congenital exostosis. Last evaluated: 2024-11-03. Review status: criteria provided, single submitter. Criteria: Invitae Variant Classification Sherloc (09022015). Collection method: clinical testing. Allele origin: germline.
Comment: This sequence change affects a donor splice site in intron 9 of the EXT1 gene. It is expected to disrupt RNA splicing. Variants that disrupt the donor or acceptor splice site typically lead to a loss of protein function (PMID: 16199547), and loss-of-function variants in EXT1 are known to be pathogenic (PMID: 10679937, 11391482, 19810120). This variant is not present in population databases (gnomAD no frequency). Disruption of this splice site has been observed in individual(s) with multiple osteochondromas (PMID: 11170095, 21039224). ClinVar contains an entry for this variant (Variation ID: 852699). Algorithms developed to predict the effect of sequence changes on RNA splicing suggest that this variant may disrupt the consensus splice site. For these reasons, this variant has been classified as Pathogenic.

Literature cited by the submitters: PubMed 16199547; PubMed 10679937; PubMed 11391482; PubMed 19810120; PubMed 11170095; PubMed 21039224.

NM_000127.3(EXT1):c.1883+2T>C

Gene: EXT1 (exostosin glycosyltransferase 1; minus strand). Cytogenetic location: 8q24.11.
Variant type: single nucleotide variant.
Coding change: c.1883+2T>C on transcript NM_000127.3 (MANE Select); the canonical splice donor site of the intron after coding-DNA position 1883, T replaced by C.
Molecular consequence: splice donor variant.
Genome position (GRCh38, 1-based): chr8:117,807,215, A>G on the plus strand (T>C on the coding strand, the complement: EXT1 is on the minus strand). VCF-style: chr8-117807215-A-G. GRCh37 (hg19) VCF-style: chr8-118819454-A-G.
Identifiers: ClinVar variation 852699 (VCV000852699.10), dbSNP rs1823251224, ClinGen allele CA371877857.